The following is an entry in ClinVar:

Conditions:
Breast-ovarian cancer, familial, susceptibility to, 1 (BROVCA1). Also called: BRCA1 Hereditary Breast and Ovarian Cancer; OVARIAN CANCER, SUSCEPTIBILITY TO. Identifiers: Orphanet 145, MedGen C2676676, MONDO:0011450, OMIM 604370. Disease mechanism: loss of function.

Submission:

Brotman Baty Institute, University of Washington
No classification provided (evidence only). Condition: Breast-ovarian cancer, familial 1. Review status: no classification provided. Collection method: in vitro. Allele origin: not applicable. Functional consequence: functionally_normal.
ClinVar note: "not provided" was previously submitted as the classification for the variant. However, the classification appeared to be based only on an observation of functional data so it was converted to no classification on 2025-07-30.

NM_007294.4(BRCA1):c.5329A>G (p.Thr1777Ala)

Gene: BRCA1 (BRCA1 DNA repair associated; minus strand). Cytogenetic location: 17q21.31.
Variant type: single nucleotide variant.
Coding change: c.5329A>G on transcript NM_007294.4 (MANE Select); coding-DNA position 5329, A replaced by G.
Protein change: p.Thr1777Ala; replaces threonine 1777 with alanine.
Molecular consequence: missense variant. On other transcripts: non-coding transcript variant (1).
Genome position (GRCh38, 1-based): chr17:43,051,066, T>C on the plus strand (A>G on the coding strand, the complement: BRCA1 is on the minus strand). VCF-style: chr17-43051066-T-C. GRCh37 (hg19) VCF-style: chr17-41203083-T-C.
Other names: c.5206A>G, p.Thr1736Ala (NM_001407937.1, NM_001407938.1, NM_001407664.1 and 5 more transcripts); c.5203A>G, p.Thr1735Ala (NM_001407939.1, NM_001407940.1, NM_001407679.1 and 10 more transcripts); c.5200A>G, p.Thr1734Ala (NM_001407941.1, NM_001407681.1, NM_001407682.1 and 6 more transcripts); c.5188A>G, p.Thr1730Ala (NM_001407942.1, NM_001407725.1, NM_001407726.1 and 13 more transcripts); c.5185A>G, p.Thr1729Ala (NM_001407943.1, NM_001407944.1, NM_001407945.1 and 21 more transcripts); c.4996A>G, p.Thr1666Ala (NM_001407946.1, NM_001407947.1, NM_001407948.1 and 1 more transcripts); c.4990A>G, p.Thr1664Ala (NM_001407956.1, NM_001407957.1, NM_001407958.1); c.4948A>G, p.Thr1650Ala (NM_001407959.1); and 72 more; short protein forms T1730A, T1777A, T1798A, T673A, T1608A, T1648A, T1665A, T1708A.
Identifiers: ClinVar variation 865603 (VCV000865603.3), dbSNP rs879255296, ClinGen allele CA10590894.